The following is an entry in ClinVar:

ClinVar aggregate classification (germline): Likely benign (0 of 4 stars; one submission).

Conditions:
AMBRA1-related disorder. Also called: AMBRA1-related condition.

Allele frequency attached by ClinVar (database versions not stated): TOPMed 0.00056; 1000 Genomes Project 0.00060; 1000 Genomes Project 30x 0.00062; ESP Exome Variant Server 0.00008; gnomAD exomes 0.00014; gnomAD 0.00044; ExAC 0.00047.
gnomAD v4.1: 283 of 1,597,282 alleles (0.018%); highest among the groups gnomAD compares: Admixed American, 0.26%; no homozygotes.

Submissions (2):

PreventionGenetics, part of Exact Sciences
Classification: Likely benign for AMBRA1-related condition. Last evaluated: 2022-08-02. Review status: no assertion criteria provided. Collection method: clinical testing. Allele origin: germline.
Comment: This variant is classified as likely benign based on ACMG/AMP sequence variant interpretation guidelines (Richards et al. 2015 PMID: 25741868, with internal and published modifications).

Dr. Peter K. Rogan Lab, Western University
No classification provided (evidence only). Condition: Adrenocortical carcinoma, hereditary. Review status: no classification provided. Collection method: in vitro. Allele origin: not applicable. Functional consequence: retained intron. Not counted in ClinVar's aggregate classification.

NM_001387011.1(AMBRA1):c.2345A>G (p.Asn782Ser)

Gene: AMBRA1 (autophagy and beclin 1 regulator 1; minus strand). Cytogenetic location: 11p11.2.
Variant type: single nucleotide variant.
Coding change: c.2345A>G on transcript NM_001387011.1 (MANE Select); coding-DNA position 2345, A replaced by G.
Protein change: p.Asn782Ser; replaces asparagine 782 with serine.
Molecular consequence: missense variant. On other transcripts: non-coding transcript variant (1).
Genome position (GRCh38, 1-based): chr11:46,494,199, T>C on the plus strand (A>G on the coding strand, the complement: AMBRA1 is on the minus strand). VCF-style: chr11-46494199-T-C. GRCh37 (hg19) VCF-style: chr11-46515749-T-C.
Other names: NC_000011.9:g.46515749T>C; c.2354A>G, p.Asn785Ser (NM_001267782.2); c.1988A>G, p.Asn663Ser (NM_001267783.2); c.2165A>G, p.Asn722Ser (NM_001300731.2); c.2345A>G, p.Asn782Ser (NM_001367468.1); c.1808A>G, p.Asn603Ser (NM_001367469.1); c.1538A>G, p.Asn513Ser (NM_001367470.1); c.2075A>G, p.Asn692Ser (NM_001367471.1, NM_017749.3); short protein forms N513S, N603S, N663S, N692S, N722S, N782S, N785S.
Identifiers: ClinVar variation 3036278 (VCV003036278.3), dbSNP rs147544015, ClinGen allele CA5964319.